The following is an entry in ClinVar:

ClinVar aggregate classification (germline): Conflicting classifications of pathogenicity. Review status: criteria provided, conflicting classifications (1 of 4 stars). 4 submissions from 4 submitters: Uncertain significance (2); Likely benign (2). Last evaluated 2026-02-03.

Conditions:
A2ML1-related disorder. Also called: A2ML1-related condition.

Allele frequency attached by ClinVar (database versions not stated): gnomAD exomes 0.00010 and 0.00012; ExAC 0.00012; TOPMed 0.00015; ESP Exome Variant Server 0.00016; gnomAD 0.00017 and 0.00019; 1000 Genomes Project 30x 0.00031; 1000 Genomes Project 0.00040.
gnomAD v4.1: 181 of 1,613,800 alleles (0.011%); highest among the groups gnomAD compares: East Asian, 0.21%; no homozygotes.

Submissions (4):

Labcorp Genetics (formerly Invitae), Labcorp
Classification: Uncertain significance. Last evaluated: 2026-02-03. Review status: criteria provided, single submitter. Criteria: Invitae Variant Classification Sherloc (09022015). Collection method: clinical testing. Allele origin: germline.
Comment: This sequence change replaces proline, which is neutral and non-polar, with leucine, which is neutral and non-polar, at codon 478 of the A2ML1 protein (p.Pro478Leu). This variant is present in population databases (rs201762847, gnomAD 0.06%), and has an allele count higher than expected for a pathogenic variant. This variant has not been reported in the literature in individuals affected with A2ML1-related conditions. ClinVar contains an entry for this variant (Variation ID: 661485). An algorithm developed to predict the effect of missense changes on protein structure and function (PolyPhen-2) suggests that this variant is likely to be disruptive. In summary, the available evidence is currently insufficient to determine the role of this variant in disease. Therefore, it has been classified as a Variant of Uncertain Significance.

Ambry Genetics
Classification: Uncertain significance. Last evaluated: 2025-08-14. Review status: criteria provided, single submitter. Criteria: Ambry Variant Classification Scheme 2023. Collection method: clinical testing. Allele origin: germline.

PreventionGenetics, part of Exact Sciences
Classification: Likely benign for A2ML1-related condition. Last evaluated: 2025-04-24. Review status: criteria provided, single submitter. Criteria: ACMG Guidelines, 2015. Collection method: clinical testing. Allele origin: germline.
Comment: This variant is classified as likely benign based on ACMG/AMP sequence variant interpretation guidelines (Richards et al. 2015 PMID: 25741868, with internal and published modifications).

Women's Health and Genetics/Laboratory Corporation of America, LabCorp
Classification: Likely benign. Last evaluated: 2019-11-18. Review status: criteria provided, single submitter. Criteria: LabCorp Variant Classification Summary - May 2015. Collection method: clinical testing. Allele origin: germline.
Comment: Variant summary: A2ML1 c.1433C>T (p.Pro478Leu) results in a non-conservative amino acid change in the Alpha-2-macroglobulin, bait region domain (IPR011625). Three of five in-silico tools predict a benign effect of the variant on protein function. The variant allele was found at a frequency of 0.00012 in 249446 control chromosomes, predominantly at a frequency of 0.00056 within the East Asian subpopulation in the gnomAD database. However, the variant was reported in some East Asian subpopulations with an even higher allele frequency, e.g. in the Japanese, with an allele frequency of 0.0024 (in the jMorp database). This frequency is approximately 600 fold of the estimated maximal expected allele frequency for a pathogenic variant in A2ML1 causing Noonan Syndrome phenotype (4e-06), strongly suggesting that the variant is a benign polymorphism found primarily in populations of East Asian origin. To our knowledge, no occurrence of c.1433C>T in individuals affected with Noonan Syndrome and no experimental evidence demonstrating its impact on protein function have been reported. One clinical diagnostic laboratory has submitted clinical-significance assessments for this variant to ClinVar after 2014 without evidence for independent evaluation, and classified the variant as uncertain significance. Based on the evidence outlined above, the variant was classified as likely benign.

NM_144670.6(A2ML1):c.1433C>T (p.Pro478Leu)

Gene: A2ML1 (alpha-2-macroglobulin like 1; plus strand). Cytogenetic location: 12p13.31.
Variant type: single nucleotide variant.
Coding change: c.1433C>T on transcript NM_144670.6 (MANE Select); coding-DNA position 1433, C replaced by T.
Protein change: p.Pro478Leu; replaces proline 478 with leucine.
Molecular consequence: missense variant.
Genome position (GRCh38, 1-based): chr12:8,843,318, C>T. VCF-style: chr12-8843318-C-T. GRCh37 (hg19) VCF-style: chr12-8995914-C-T.
Other names: c.1433C>T (NM_144670.3); short protein forms P478L.
Identifiers: ClinVar variation 661485 (VCV000661485.12), dbSNP rs201762847, ClinGen allele CA6435650.
Genomic context (GRCh38, chr12:8,843,318, plus strand): 5'-TAAACGGCCCCTTGAAATGTGGCCAGCCCCAGGAAGTGCTGGTGGATTATTACATCGACC[C>T]GGCCGATGCAAGCCCTGACCAAGAGATCAGCTTCTCCTACTATGTGAGACCGGGAAACGG-3'
Protein context (NP_653271.3, residues 468-488): QEVLVDYYID[Pro478Leu]ADASPDQEIS